The following is an entry in ClinVar:

NM_006059.4(LAMC3):c.3417+13A>T

Gene: LAMC3 (laminin subunit gamma 3; plus strand). Cytogenetic location: 9q34.12.
Variant type: single nucleotide variant.
Coding change: c.3417+13A>T on transcript NM_006059.4 (MANE Select); 13 bases into the intron after coding-DNA position 3417, A replaced by T.
Molecular consequence: intron variant.
Genome position (GRCh38, 1-based): chr9:131,072,848, A>T. VCF-style: chr9-131072848-A-T. GRCh37 (hg19) VCF-style: chr9-133948235-A-T.
Identifiers: ClinVar variation 516140 (VCV000516140.1), dbSNP rs950070867, ClinGen allele CA200669094.

ClinVar aggregate classification (germline): Likely benign (1 of 4 stars; one submission).

Allele frequency attached by ClinVar (database versions not stated): gnomAD exomes below 0.00001 and 0.00003; gnomAD 0.00001; TOPMed 0.00001.
gnomAD v4.1: 38 of 1,602,128 alleles (0.0024%); highest among the groups gnomAD compares: Non-Finnish European, 0.0031%; no homozygotes.

Submission:

GeneDx
Classification: Likely benign. Last evaluated: 2017-05-03. Review status: criteria provided, single submitter. Criteria: GeneDx Variant Classification (06012015). Collection method: clinical testing. Allele origin: germline. Affected: yes.
Comment: This variant is considered likely benign or benign based on one or more of the following criteria: it is a conservative change, it occurs at a poorly conserved position in the protein, it is predicted to be benign by multiple in silico algorithms, and/or has population frequency not consistent with disease.